The following is an entry in ClinVar:

NM_000246.4(CIITA):c.2436C>A (p.Cys812Ter)

Gene: CIITA (class II major histocompatibility complex transactivator; plus strand). Cytogenetic location: 16p13.13.
Variant type: single nucleotide variant.
Coding change: c.2436C>A on transcript NM_000246.4 (MANE Select); coding-DNA position 2436, C replaced by A.
Protein change: p.Cys812Ter; replaces cysteine 812 with a stop codon.
Molecular consequence: nonsense. On other transcripts: intron variant (1).
Genome position (GRCh38, 1-based): chr16:10,907,928, C>A. VCF-style: chr16-10907928-C-A. GRCh37 (hg19) VCF-style: chr16-11001785-C-A.
Other names: c.2367C>A, p.Cys789Ter (NM_001379334.1); c.860-1055C>A (NM_001286403.2); c.2439C>A, p.Cys813Ter (NM_001286402.1, NM_001379332.1); c.2292C>A, p.Cys764Ter (NM_001379330.1); c.2289C>A, p.Cys763Ter (NM_001379331.1); c.2436C>A, p.Cys812Ter (NM_001379333.1); short protein forms C764*, C763*, C789*, C812*, C813*.
Identifiers: ClinVar variation 2910400 (VCV002910400.3), dbSNP rs771994666, ClinGen allele CA394733613.

ClinVar aggregate classification (germline): Pathogenic (1 of 4 stars; one submission).

Conditions:
MHC class II deficiency. Also called: Bare lymphocyte syndrome 2; BLS, TYPE II. Identifiers: Orphanet 572, MedGen C5447452, MONDO:0008855.

Submission:

Labcorp Genetics (formerly Invitae), Labcorp
Classification: Pathogenic for MHC class II deficiency. Last evaluated: 2024-06-03. Review status: criteria provided, single submitter. Criteria: Invitae Variant Classification Sherloc (09022015). Collection method: clinical testing. Allele origin: germline.
Comment: This sequence change creates a premature translational stop signal (p.Cys812*) in the CIITA gene. It is expected to result in an absent or disrupted protein product. Loss-of-function variants in CIITA are known to be pathogenic (PMID: 8402893, 9099848, 26271388). This variant is present in population databases (no rsID available, gnomAD 0.007%). This premature translational stop signal has been observed in individual(s) with clinical features of CIITA-related disorders (PMID: 30778343). For these reasons, this variant has been classified as Pathogenic.

Literature cited by the submitters: PubMed 8402893; PubMed 9099848; PubMed 26271388; PubMed 30778343.